The following is an entry in ClinVar:

NM_001372.4(DNAH9):c.4808G>A (p.Arg1603Gln)

Gene: DNAH9 (dynein axonemal heavy chain 9; plus strand). Cytogenetic location: 17p12.
Variant type: single nucleotide variant.
Coding change: c.4808G>A on transcript NM_001372.4 (MANE Select); coding-DNA position 4808, G replaced by A.
Protein change: p.Arg1603Gln; replaces arginine 1603 with glutamine.
Molecular consequence: missense variant.
Genome position (GRCh38, 1-based): chr17:11,694,383, G>A. VCF-style: chr17-11694383-G-A. GRCh37 (hg19) VCF-style: chr17-11597700-G-A.
Other names: c.4808G>A (NM_001372.3); short protein forms R1603Q.
Identifiers: ClinVar variation 2178699 (VCV002178699.3), dbSNP rs761654782, ClinGen allele CA8395794.

ClinVar aggregate classification (germline): Uncertain significance. Review status: criteria provided, multiple submitters, no conflicts (2 of 4 stars). 2 submissions from 2 submitters: Uncertain significance (2). Last evaluated 2023-01-26.

Conditions:
Primary ciliary dyskinesia. Also called: Ciliary dyskinesia. Identifiers: Orphanet 244, MedGen C0008780, MONDO:0016575, HP:0012265.

Allele frequency attached by ClinVar (database versions not stated): ExAC 0.00001; TOPMed 0.00001.
gnomAD v4.1: 6 of 1,613,442 alleles (0.00037%); highest among the groups gnomAD compares: Admixed American, 0.0033%; no homozygotes.

Submissions (2):

Molecular Genetics McLendon Clinical Laboratories, University of North Carolina at Chapel Hill
Classification: Uncertain significance for Primary ciliary dyskinesia. Last evaluated: 2023-01-26. Review status: criteria provided, single submitter. Criteria: ACMG Guidelines, 2015. Collection method: clinical testing. Allele origin: germline.

Labcorp Genetics (formerly Invitae), Labcorp
Classification: Uncertain significance. Last evaluated: 2022-09-24. Review status: criteria provided, single submitter. Criteria: Invitae Variant Classification Sherloc (09022015). Collection method: clinical testing. Allele origin: germline.
Comment: In summary, the available evidence is currently insufficient to determine the role of this variant in disease. Therefore, it has been classified as a Variant of Uncertain Significance. Advanced modeling of protein sequence and biophysical properties (such as structural, functional, and spatial information, amino acid conservation, physicochemical variation, residue mobility, and thermodynamic stability) performed at Invitae indicates that this missense variant is expected to disrupt DNAH9 protein function. This variant has not been reported in the literature in individuals affected with DNAH9-related conditions. This variant is present in population databases (rs761654782, gnomAD 0.003%). This sequence change replaces arginine, which is basic and polar, with glutamine, which is neutral and polar, at codon 1603 of the DNAH9 protein (p.Arg1603Gln).